The following is an entry in ClinVar:

ClinVar aggregate classification (germline): Uncertain significance. Review status: criteria provided, multiple submitters, no conflicts (2 of 4 stars). 4 submissions from 4 submitters: Uncertain significance (4). Last evaluated 2023-01-26.

Conditions:
Pierson syndrome. Also called: MICROCORIA-CONGENITAL NEPHROTIC SYNDROME. Identifiers: Orphanet 2670, MedGen C1836876, MONDO:0012184, OMIM 609049.
LAMB2-related infantile-onset nephrotic syndrome. Also called: Nephrotic Syndrome, type 5; NEPHROTIC SYNDROME, TYPE 5, WITHOUT OCULAR ABNORMALITIES; NEPHROTIC SYNDROME, TYPE 5, WITH OCULAR ABNORMALITIES. Identifiers: Orphanet 306507, MedGen C3280113, MONDO:0013621, OMIM 614199.
Inborn genetic diseases. Identifiers: MedGen C0950123, MeSH D030342.

Allele frequency attached by ClinVar (database versions not stated): gnomAD 0.00024 and 0.00026; TOPMed 0.00028; ESP Exome Variant Server 0.00031; gnomAD exomes 0.00035; ExAC 0.00038.
gnomAD v4.1: 952 of 1,613,632 alleles (0.059%); highest among the groups gnomAD compares: Non-Finnish European, 0.076%; no homozygotes.

Submissions (4):

Mayo Clinic Laboratories, Mayo Clinic
Classification: Uncertain significance. Last evaluated: 2023-01-26. Review status: criteria provided, single submitter. Criteria: ACMG Guidelines, 2015. Collection method: clinical testing. Allele origin: germline. Observed: 1 variant allele.
Comment: BP4

Labcorp Genetics (formerly Invitae), Labcorp
Classification: Uncertain significance for LAMB2-related infantile-onset nephrotic syndrome; Pierson syndrome. Last evaluated: 2022-10-17. Review status: criteria provided, single submitter. Criteria: Invitae Variant Classification Sherloc (09022015). Collection method: clinical testing. Allele origin: germline.
Comment: This sequence change replaces proline, which is neutral and non-polar, with alanine, which is neutral and non-polar, at codon 588 of the LAMB2 protein (p.Pro588Ala). This variant is present in population databases (rs144324168, gnomAD 0.07%). This variant has not been reported in the literature in individuals affected with LAMB2-related conditions. ClinVar contains an entry for this variant (Variation ID: 940370). Algorithms developed to predict the effect of missense changes on protein structure and function output the following: SIFT: "Tolerated"; PolyPhen-2: "Benign"; Align-GVGD: "Class C0". The alanine amino acid residue is found in multiple mammalian species, which suggests that this missense change does not adversely affect protein function. In summary, the available evidence is currently insufficient to determine the role of this variant in disease. Therefore, it has been classified as a Variant of Uncertain Significance.

Fulgent Genetics
Classification: Uncertain significance for Pierson syndrome; LAMB2-related infantile-onset nephrotic syndrome. Last evaluated: 2022-02-02. Review status: criteria provided, single submitter. Criteria: ACMG Guidelines, 2015. Collection method: clinical testing. Allele origin: unknown.

Ambry Genetics
Classification: Uncertain significance for Inborn genetic diseases. Last evaluated: 2022-01-25. Review status: criteria provided, single submitter. Criteria: Ambry Variant Classification Scheme 2023. Collection method: clinical testing. Allele origin: germline.

NM_002292.4(LAMB2):c.1762C>G (p.Pro588Ala)

Gene: LAMB2 (laminin subunit beta 2; minus strand). Cytogenetic location: 3p21.31.
Variant type: single nucleotide variant.
Coding change: c.1762C>G on transcript NM_002292.4 (MANE Select); coding-DNA position 1762, C replaced by G.
Protein change: p.Pro588Ala; replaces proline 588 with alanine.
Molecular consequence: missense variant.
Genome position (GRCh38, 1-based): chr3:49,128,789, G>C on the plus strand (C>G on the coding strand, the complement: LAMB2 is on the minus strand). VCF-style: chr3-49128789-G-C. GRCh37 (hg19) VCF-style: chr3-49166222-G-C.
Other names: p.Pro588Ala; short protein forms P588A.
Identifiers: ClinVar variation 940370 (VCV000940370.7), dbSNP rs144324168, ClinGen allele CA2394500.